The following is an entry in ClinVar:

ClinVar aggregate classification (germline): Conflicting classifications of pathogenicity. Review status: criteria provided, conflicting classifications (1 of 4 stars). 3 submissions from 3 submitters: Uncertain significance (1); Likely benign (2). Last evaluated 2024-02-17.

Conditions:
Malignant hyperthermia, susceptibility to, 1 (MHS1). Also called: Malignant hyperthermia suceptibility 1; Anesthesia related hyperthermia; Malignant hyperpyrexia; Fulminating hyperpyrexia; Pharmacogenic myopathy; RYR1-Related Malignant Hyperthermia Susceptibility. Identifiers: Orphanet 423, MedGen C2930980, MONDO:0007783, OMIM 145600.
RYR1-related disorder. Also called: RYR1-related condition; RYR1-related disorders. Identifiers: MedGen CN239331.

Allele frequency attached by ClinVar (database versions not stated): ExAC 0.00001; gnomAD exomes 0.00001.
gnomAD v4.1: 5 of 1,614,156 alleles (0.00031%); highest among the groups gnomAD compares: South Asian, 0.0011%; no homozygotes.

Submissions (3):

Labcorp Genetics (formerly Invitae), Labcorp
Classification: Likely benign for RYR1-related disorder. Last evaluated: 2024-02-17. Review status: criteria provided, single submitter. Criteria: Invitae Variant Classification Sherloc (09022015). Collection method: clinical testing. Allele origin: germline.

All of Us Research Program, National Institutes of Health
Classification: Likely benign for Malignant hyperthermia, susceptibility to, 1. Last evaluated: 2023-12-18. Review status: criteria provided, single submitter. Criteria: ACMG Guidelines, 2015. Collection method: clinical testing. Allele origin: germline. Inheritance: Autosomal dominant inheritance. Observed: 2 variant alleles, 2 heterozygotes.
Comment: This study involves interpretation of variants in research participants for the purpose of population health screening. Participant phenotype was not available at the time of variant classification. Additional details can be found in publication PMID: 35346344, PMCID: PMC8962531

CeGaT Center for Human Genetics Tuebingen
Classification: Uncertain significance. Last evaluated: 2017-09-01. Review status: criteria provided, single submitter. Criteria: CeGaT Center For Human Genetics Tuebingen Variant Classification Criteria Version 2. Collection method: clinical testing. Allele origin: germline. Affected: yes. Observed: 1 variant allele.

NM_000540.3(RYR1):c.408G>A (p.Leu136=)

Gene: RYR1 (ryanodine receptor 1; plus strand). Cytogenetic location: 19q13.2.
Variant type: single nucleotide variant.
Coding change: c.408G>A on transcript NM_000540.3 (MANE Select); coding-DNA position 408, G replaced by A.
Protein change: p.Leu136=; no amino-acid change (leucine 136 retained).
Molecular consequence: synonymous variant.
Genome position (GRCh38, 1-based): chr19:38,443,780, G>A. VCF-style: chr19-38443780-G-A. GRCh37 (hg19) VCF-style: chr19-38934420-G-A.
Other names: c.408G>A, p.Leu136= (NM_001042723.2).
Identifiers: ClinVar variation 493254 (VCV000493254.47), dbSNP rs756918282, ClinGen allele CA065535.